The following is an entry in ClinVar:

ClinVar aggregate classification (germline): Conflicting classifications of pathogenicity. Review status: criteria provided, conflicting classifications (1 of 4 stars). 2 submissions from 2 submitters: Uncertain significance (1); Likely benign (1). Last evaluated 2023-03-23.

Conditions:
Hereditary cancer-predisposing syndrome. Also called: Neoplastic Syndromes, Hereditary; Tumor predisposition; Hereditary neoplastic syndrome; Hereditary Cancer Syndrome. Identifiers: Orphanet 140162, MedGen C0027672, MeSH D009386, MONDO:0015356.
Hereditary breast ovarian cancer syndrome. Also called: BRCA1- and BRCA2-Associated Hereditary Breast and Ovarian Cancer; Hereditary breast and ovarian cancer; Hereditary breast and ovarian cancer syndrome; Hereditary breast and ovarian cancer syndrome (HBOC); Breast and ovarian cancer; Hereditary breast and/or ovarian cancer syndrome. Identifiers: Orphanet 145, MedGen C0677776, MeSH D061325, MONDO:0003582. Disease mechanism: loss of function.

Submissions (2):

University of Washington Department of Laboratory Medicine, University of Washington
Classification: Likely benign for Hereditary cancer-predisposing syndrome. Last evaluated: 2023-03-23. Review status: criteria provided, single submitter. Criteria: Dines et al. (Genet Med. 2020). Collection method: curation. Allele origin: germline.
Comment: Missense variant in a coldspot region where missense variants are very unlikely to be pathogenic (PMID:31911673).

BRCA2 exon 11 coldspot. Reclassification based on statistical prior probability.

Labcorp Genetics (formerly Invitae), Labcorp
Classification: Uncertain significance for Hereditary breast ovarian cancer syndrome. Last evaluated: 2021-05-02. Review status: criteria provided, single submitter. Criteria: Invitae Variant Classification Sherloc (09022015). Collection method: clinical testing. Allele origin: germline.
Comment: In summary, the available evidence is currently insufficient to determine the role of this variant in disease. Therefore, it has been classified as a Variant of Uncertain Significance. Advanced modeling of protein sequence and biophysical properties (such as structural, functional, and spatial information, amino acid conservation, physicochemical variation, residue mobility, and thermodynamic stability) performed at Invitae indicates that this missense variant is not expected to disrupt BRCA2 protein function. This variant has not been reported in the literature in individuals with BRCA2-related conditions. This variant is not present in population databases (ExAC no frequency). This sequence change replaces valine with alanine at codon 1873 of the BRCA2 protein (p.Val1873Ala). The valine residue is weakly conserved and there is a small physicochemical difference between valine and alanine.

NM_000059.4(BRCA2):c.5618T>C (p.Val1873Ala)

Gene: BRCA2 (BRCA2 DNA repair associated; plus strand). Cytogenetic location: 13q13.1.
Variant type: single nucleotide variant.
Coding change: c.5618T>C on transcript NM_000059.4 (MANE Select); coding-DNA position 5618, T replaced by C.
Protein change: p.Val1873Ala; replaces valine 1873 with alanine.
Molecular consequence: missense variant.
Genome position (GRCh38, 1-based): chr13:32,339,973, T>C. VCF-style: chr13-32339973-T-C. GRCh37 (hg19) VCF-style: chr13-32914110-T-C.
Other names: short protein forms V1873A.
Identifiers: ClinVar variation 1350723 (VCV001350723.9), dbSNP rs2137519186, ClinGen allele CA387786103.